The following is an entry in ClinVar:

NM_001519.4(BRF1):c.223G>A (p.Val75Met)

Gene: BRF1 (BRF1 general transcription factor IIIB subunit; minus strand). Cytogenetic location: 14q32.33.
Variant type: single nucleotide variant.
Coding change: c.223G>A on transcript NM_001519.4 (MANE Select); coding-DNA position 223, G replaced by A.
Protein change: p.Val75Met; replaces valine 75 with methionine.
Molecular consequence: missense variant. On other transcripts: 5 prime UTR variant (2), intron variant (1).
Genome position (GRCh38, 1-based): chr14:105,286,338, C>T on the plus strand (G>A on the coding strand, the complement: BRF1 is on the minus strand). VCF-style: chr14-105286338-C-T. GRCh37 (hg19) VCF-style: chr14-105752675-C-T.
Other names: c.-123G>A (NM_001242786.2, NM_001242787.2); c.223G>A, p.Val75Met (NM_001242790.2); c.185-13444G>A (NM_001242788.2); short protein forms V75M.
Identifiers: ClinVar variation 714553 (VCV000714553.6), dbSNP rs144673138, ClinGen allele CA7388207.

ClinVar aggregate classification (germline): Likely benign. Review status: criteria provided, multiple submitters, no conflicts (2 of 4 stars). 2 submissions from 2 submitters: Likely benign (2). Last evaluated 2026-04-01.

Allele frequency attached by ClinVar (database versions not stated): gnomAD 0.00051 and 0.00052; gnomAD exomes 0.00052; TOPMed 0.00054; ExAC 0.00059; 1000 Genomes Project 0.00060; 1000 Genomes Project 30x 0.00062; ESP Exome Variant Server 0.00085.
gnomAD v4.1: 1,530 of 1,613,748 alleles (0.095%); highest among the groups gnomAD compares: Non-Finnish European, 0.12%; 1 homozygote.

Submissions (2):

CeGaT Center for Human Genetics Tuebingen
Classification: Likely benign. Last evaluated: 2026-04-01. Review status: criteria provided, single submitter. Criteria: CeGaT Center For Human Genetics Tuebingen Variant Classification Criteria Version 2. Collection method: clinical testing. Allele origin: germline. Affected: yes. Observed: 1 variant allele.
Comment: BRF1: BS2

Labcorp Genetics (formerly Invitae), Labcorp
Classification: Likely benign. Last evaluated: 2019-12-31. Review status: criteria provided, single submitter. Criteria: Invitae Variant Classification Sherloc (09022015). Collection method: clinical testing. Allele origin: germline.